The following is an entry in ClinVar:

NM_153603.4(COG7):c.1206G>A (p.Ala402=)

Gene: COG7 (component of oligomeric golgi complex 7; minus strand). Cytogenetic location: 16p12.2.
Variant type: single nucleotide variant.
Coding change: c.1206G>A on transcript NM_153603.4 (MANE Select); coding-DNA position 1206, G replaced by A.
Protein change: p.Ala402=; no amino-acid change (alanine 402 retained).
Molecular consequence: synonymous variant.
Genome position (GRCh38, 1-based): chr16:23,417,053, C>T on the plus strand (G>A on the coding strand, the complement: COG7 is on the minus strand). VCF-style: chr16-23417053-C-T. GRCh37 (hg19) VCF-style: chr16-23428374-C-T.
Identifiers: ClinVar variation 758510 (VCV000758510.31), dbSNP rs777152433, ClinGen allele CA7961051.
Genomic context (GRCh38, chr16:23,417,053, plus strand): 5'-CAACAGGCCGCAGGTCCCCAGGCCATTGGTGAATCTGACGCATCTGTCAACGGCTGCAGA[C>T]GCCAGACCAAACAGCTTGTTCACGGAGTGGCTCAGCTCCTGCACACAGTCAATCACTTCC-3'
Protein context (NP_705831.1, residues 392-412): SHSVNKLFGL[Ala402=]SAAVDRCVRF

ClinVar aggregate classification (germline): Likely benign. Review status: criteria provided, multiple submitters, no conflicts (2 of 4 stars). 2 submissions from 2 submitters: Likely benign (2). Last evaluated 2025-06-25.

Conditions:
COG7 congenital disorder of glycosylation (CDG2E). Also called: CONGENITAL DISORDER OF GLYCOSYLATION, TYPE IIe; CDG IIe. Identifiers: Orphanet 79333, MedGen C2931010, MONDO:0012118, OMIM 608779.

Allele frequency attached by ClinVar (database versions not stated): ExAC 0.00001; gnomAD exomes 0.00002 and 0.00003; gnomAD 0.00008 and 0.00009; TOPMed 0.00013.
gnomAD v4.1: 46 of 1,614,118 alleles (0.0028%); highest among the groups gnomAD compares: Middle Eastern, 0.033%; no homozygotes.

Submissions (2):

Labcorp Genetics (formerly Invitae), Labcorp
Classification: Likely benign for COG7 congenital disorder of glycosylation. Last evaluated: 2025-06-25. Review status: criteria provided, single submitter. Criteria: Invitae Variant Classification Sherloc (09022015). Collection method: clinical testing. Allele origin: germline.

CeGaT Center for Human Genetics Tuebingen
Classification: Likely benign. Last evaluated: 2022-05-01. Review status: criteria provided, single submitter. Criteria: CeGaT Center For Human Genetics Tuebingen Variant Classification Criteria Version 2. Collection method: clinical testing. Allele origin: germline. Affected: yes. Observed: 1 variant allele.
Comment: COG7: BP4, BP7